The following is an entry in ClinVar:

NM_001127453.2(GSDME):c.1200A>G (p.Ala400=)

Gene: GSDME (gasdermin E; minus strand). Cytogenetic location: 7p15.3.
Variant type: single nucleotide variant.
Coding change: c.1200A>G on transcript NM_001127453.2 (MANE Select); coding-DNA position 1200, A replaced by G.
Protein change: p.Ala400=; no amino-acid change (alanine 400 retained).
Molecular consequence: synonymous variant.
Genome position (GRCh38, 1-based): chr7:24,702,817, T>C on the plus strand (A>G on the coding strand, the complement: GSDME is on the minus strand). VCF-style: chr7-24702817-T-C. GRCh37 (hg19) VCF-style: chr7-24742436-T-C.
Other names: p.Ala400=; c.708A>G, p.Ala236= (NM_001127454.2); c.1200A>G, p.Ala400= (NM_004403.3).
Identifiers: ClinVar variation 44840 (VCV000044840.16), dbSNP rs17149912, ClinGen allele CA135157.

ClinVar aggregate classification (germline): Benign. Review status: criteria provided, multiple submitters, no conflicts (2 of 4 stars). 5 submissions from 5 submitters: Benign (5). Last evaluated 2026-02-04.

Conditions:
Autosomal dominant nonsyndromic hearing loss 5. Identifiers: Orphanet 90635, MedGen C1832932, MONDO:0010973, OMIM 600994.

Allele frequency attached by ClinVar (database versions not stated): gnomAD exomes 0.20125 and 0.16601; 1000 Genomes Project 0.20188; 1000 Genomes Project 30x 0.20362; ESP Exome Variant Server 0.14801; gnomAD 0.16349 and 0.16838; TOPMed 0.16868; ExAC 0.19612.
gnomAD v4.1: 268,472 of 1,612,490 alleles (17%); highest among the groups gnomAD compares: Admixed American, 30%; 24,394 homozygotes.

Submissions (5):

Labcorp Genetics (formerly Invitae), Labcorp
Classification: Benign. Last evaluated: 2026-02-04. Review status: criteria provided, single submitter. Criteria: Invitae Variant Classification Sherloc (09022015). Collection method: clinical testing. Allele origin: germline.

Mayo Clinic Laboratories, Mayo Clinic
Classification: Benign. Last evaluated: 2020-12-04. Review status: criteria provided, single submitter. Criteria: ACMG Guidelines, 2015. Collection method: clinical testing. Allele origin: germline. Observed: 40 variant alleles.

Illumina Laboratory Services, Illumina
Classification: Benign for Autosomal dominant nonsyndromic hearing loss 5. Last evaluated: 2018-01-13. Review status: criteria provided, single submitter. Criteria: ICSL Variant Classification Criteria 13 December 2019. Collection method: clinical testing. Allele origin: germline.
Comment: This variant was observed in the ICSL laboratory as part of a predisposition screen in an ostensibly healthy population. It had not been previously curated by ICSL or reported in the Human Gene Mutation Database (HGMD: prior to June 1st, 2018), and was therefore a candidate for classification through an automated scoring system. Utilizing variant allele frequency, disease prevalence and penetrance estimates, and inheritance mode, an automated score was calculated to assess if this variant is too frequent to cause the disease. Based on the score and internal cut-off values, a variant classified as benign is not then subjected to further curation. The score for this variant resulted in a classification of benign for this disease.

GeneDx
Classification: Benign. Last evaluated: 2017-05-09. Review status: criteria provided, single submitter. Criteria: GeneDx Variant Classification (06012015). Collection method: clinical testing. Allele origin: germline. Affected: yes.
Comment: This variant is considered likely benign or benign based on one or more of the following criteria: it is a conservative change, it occurs at a poorly conserved position in the protein, it is predicted to be benign by multiple in silico algorithms, and/or has population frequency not consistent with disease.

Laboratory for Molecular Medicine, Mass General Brigham Personalized Medicine
Classification: Benign. Last evaluated: 2012-05-07. Review status: criteria provided, single submitter. Criteria: LMM Criteria. Collection method: clinical testing. Allele origin: germline. Observed: 549 variant alleles.
Comment: "Ala400Ala in Exon 09 of DFNA5: This variant is not expected to have clinical si gnificance because it does not alter an amino acid residue, is not located withi n the splice consensus sequence, and has been identified in 15.6% (1098/7020) of European American chromosomes from a broad population by the NHLBI Exome Sequen cing Project (dbSNP rs17149912)."